The following is an entry in ClinVar:

ClinVar aggregate classification (germline): Uncertain significance (1 of 4 stars; one submission).

Conditions:
Hereditary cancer-predisposing syndrome. Also called: Tumor predisposition; Hereditary neoplastic syndrome; Neoplastic Syndromes, Hereditary; Hereditary Cancer Syndrome. Identifiers: Orphanet 140162, MedGen C0027672, MeSH D009386, MONDO:0015356.

Submission:

Ambry Genetics
Classification: Uncertain significance for Hereditary cancer-predisposing syndrome. Last evaluated: 2025-04-23. Review status: criteria provided, single submitter. Criteria: Ambry Variant Classification Scheme 2023. Collection method: clinical testing. Allele origin: germline.
Comment: The p.D1033N variant (also known as c.3097G>A), located in coding exon 10 of the BRCA2 gene, results from a G to A substitution at nucleotide position 3097. The aspartic acid at codon 1033 is replaced by asparagine, an amino acid with highly similar properties. This amino acid position is highly conserved in available vertebrate species. In addition, the in silico prediction for this alteration is inconclusive. Based on the available evidence, the clinical significance of this variant remains unclear.

NM_000059.4(BRCA2):c.3097G>A (p.Asp1033Asn)

Gene: BRCA2 (BRCA2 DNA repair associated; plus strand). Cytogenetic location: 13q13.1.
Variant type: single nucleotide variant.
Coding change: c.3097G>A on transcript NM_000059.4 (MANE Select); coding-DNA position 3097, G replaced by A.
Protein change: p.Asp1033Asn; replaces aspartic acid 1033 with asparagine.
Molecular consequence: missense variant. On other transcripts: non-coding transcript variant (1), intron variant (2).
Genome position (GRCh38, 1-based): chr13:32,337,452, G>A. VCF-style: chr13-32337452-G-A. GRCh37 (hg19) VCF-style: chr13-32911589-G-A.
Other names: c.3097G>A, p.Asp1033Asn (NM_001406719.1, NM_001406720.1, NM_001432077.1); c.1909+4065G>A (NM_001406721.1); c.424+6422G>A (NM_001406722.1); short protein forms D1033N.
Identifiers: ClinVar variation 3992650 (VCV003992650.1).